The following is an entry in ClinVar:

ClinVar aggregate classification (germline): Uncertain significance (1 of 4 stars; one submission).

Conditions:
Epidermodysplasia verruciformis. Identifiers: Orphanet 302, MedGen C0014522, MONDO:0009176.

Allele frequency attached by ClinVar (database versions not stated): gnomAD 0.00001.
gnomAD v4.1: 18 of 1,607,980 alleles (0.0011%); highest among the groups gnomAD compares: Non-Finnish European, 0.0014%; no homozygotes.

Submission:

Labcorp Genetics (formerly Invitae), Labcorp
Classification: Uncertain significance for Epidermodysplasia verruciformis. Last evaluated: 2022-06-02. Review status: criteria provided, single submitter. Criteria: Invitae Variant Classification Sherloc (09022015). Collection method: clinical testing. Allele origin: germline.
Comment: This sequence change replaces leucine, which is neutral and non-polar, with proline, which is neutral and non-polar, at codon 662 of the TMC6 protein (p.Leu662Pro). The frequency data for this variant in the population databases is considered unreliable, as metrics indicate poor data quality at this position in the gnomAD database. This variant has not been reported in the literature in individuals affected with TMC6-related conditions. Algorithms developed to predict the effect of missense changes on protein structure and function are either unavailable or do not agree on the potential impact of this missense change (SIFT: "Not Available"; PolyPhen-2: "Probably Damaging"; Align-GVGD: "Not Available"). In summary, the available evidence is currently insufficient to determine the role of this variant in disease. Therefore, it has been classified as a Variant of Uncertain Significance.

NM_001127198.5(TMC6):c.1985T>C (p.Leu662Pro)

Gene: TMC6 (transmembrane channel like 6; minus strand). Cytogenetic location: 17q25.3.
Variant type: single nucleotide variant.
Coding change: c.1985T>C on transcript NM_001127198.5 (MANE Select); coding-DNA position 1985, T replaced by C.
Protein change: p.Leu662Pro; replaces leucine 662 with proline.
Molecular consequence: missense variant. On other transcripts: non-coding transcript variant (4).
Genome position (GRCh38, 1-based): chr17:78,117,838, A>G on the plus strand (T>C on the coding strand, the complement: TMC6 is on the minus strand). VCF-style: chr17-78117838-A-G. GRCh37 (hg19) VCF-style: chr17-76113919-A-G.
Other names: c.1985T>C, p.Leu662Pro (NM_001321185.1, NM_001374596.1, NM_001375353.1 and 2 more transcripts); c.1805T>C, p.Leu602Pro (NM_001374593.1, NM_001374594.1); short protein forms L602P, L662P.
Identifiers: ClinVar variation 2141756 (VCV002141756.4), dbSNP rs1320078001, ClinGen allele CA401225806.